The following is an entry in ClinVar:

ClinVar aggregate classification (germline): Uncertain significance (1 of 4 stars; one submission).

Conditions:
Aortic aneurysm, familial thoracic 4 (AAT4). Also called: AORTIC ANEURYSM/AORTIC DISSECTION AND PATENT DUCTUS ARTERIOSUS. Identifiers: MedGen C1851504, MONDO:0007568, OMIM 132900.

Submission:

Labcorp Genetics (formerly Invitae), Labcorp
Classification: Uncertain significance for Aortic aneurysm, familial thoracic 4. Last evaluated: 2023-02-25. Review status: criteria provided, single submitter. Criteria: Invitae Variant Classification Sherloc (09022015). Collection method: clinical testing. Allele origin: germline.
Comment: In summary, the available evidence is currently insufficient to determine the role of this variant in disease. Therefore, it has been classified as a Variant of Uncertain Significance. Advanced modeling of protein sequence and biophysical properties (such as structural, functional, and spatial information, amino acid conservation, physicochemical variation, residue mobility, and thermodynamic stability) performed at Invitae indicates that this missense variant is not expected to disrupt MYH11 protein function. This variant has not been reported in the literature in individuals affected with MYH11-related conditions. This variant is not present in population databases (gnomAD no frequency). This sequence change replaces glutamic acid, which is acidic and polar, with alanine, which is neutral and non-polar, at codon 1295 of the MYH11 protein (p.Glu1295Ala).

NM_002474.3(MYH11):c.3863A>C (p.Glu1288Ala)

Genes: MYH11 (myosin heavy chain 11; minus strand), NDE1 (nudE neurodevelopment protein 1; plus strand). Cytogenetic location: 16p13.11.
Variant type: single nucleotide variant.
Coding change: c.3863A>C on transcript NM_002474.3 (MANE Select); coding-DNA position 3863, A replaced by C.
Protein change: p.Glu1288Ala; replaces glutamic acid 1288 with alanine.
Molecular consequence: missense variant. On other transcripts: 3 prime UTR variant (2).
Genome position (GRCh38, 1-based): chr16:15,724,988, T>G on the plus strand (A>C on the coding strand, the complement: MYH11 is on the minus strand). VCF-style: chr16-15724988-T-G. GRCh37 (hg19) VCF-style: chr16-15818845-T-G.
Other names: c.3884A>C, p.Glu1295Ala (NM_001040113.2, NM_001040114.2); c.3863A>C, p.Glu1288Ala (NM_022844.3); c.*737T>G (NM_001143979.2, NM_017668.3); short protein forms E1288A, E1295A.
Identifiers: ClinVar variation 2968113 (VCV002968113.3), dbSNP rs2506145528, ClinGen allele CA394859311.